The following is an entry in ClinVar:

NC_000011.9:g.(?_17355305)_(17434268_?)del

Genes: ABCC8 (ATP binding cassette subfamily C member 8; minus strand), KCNJ11 (potassium inwardly rectifying channel subfamily J member 11; minus strand), NCR3LG1 (natural killer cell cytotoxicity receptor 3 ligand 1; plus strand). Cytogenetic location: 11p15.1.
Variant type: Deletion.
Identifiers: ClinVar variation 3244729 (VCV003244729.1).

ClinVar aggregate classification (germline): Pathogenic (1 of 4 stars; one submission).

Submission:

Labcorp Genetics (formerly Invitae), Labcorp
Classification: Pathogenic. Last evaluated: 2023-09-05. Review status: criteria provided, single submitter. Criteria: Invitae Variant Classification Sherloc (09022015). Collection method: clinical testing. Allele origin: unknown.
Comment: This variant results in the deletion of part of exon 21 and exons 22-39 (c.2501_*59233del) of the ABCC8 gene. While this deletion is not anticipated to lead to nonsense mediated decay, it is expected to alter mRNA translation or result in a truncated protein product. This variant has not been reported in the literature in individuals affected with ABCC8-related conditions. This variant disrupts a region of the ABCC8 protein in which other variant(s) (p.Gly1554Val) have been determined to be pathogenic (PMID: 11395395, 23652837, 24434300, 28328534). This suggests that this is a clinically significant region of the protein, and that variants that disrupt it are likely to be disease-causing. For these reasons, this variant has been classified as Pathogenic.

Literature cited by the submitters: PubMed 11395395; PubMed 23652837; PubMed 24434300; PubMed 28328534.